The following is an entry in ClinVar:

ClinVar aggregate classification (germline): Likely benign (1 of 4 stars; one submission).

Allele frequency attached by ClinVar (database versions not stated): gnomAD exomes 0.00391; 1000 Genomes Project 30x 0.00265; 1000 Genomes Project 0.00280; ExAC 0.00294; gnomAD 0.00318; TOPMed 0.00331; ESP Exome Variant Server 0.00363.
gnomAD v4.1: 6,157 of 1,611,054 alleles (0.38%); highest among the groups gnomAD compares: Non-Finnish European, 0.47%; 15 homozygotes.

Submissions (2):

CeGaT Center for Human Genetics Tuebingen
Classification: Likely benign. Last evaluated: 2022-09-01. Review status: criteria provided, single submitter. Criteria: CeGaT Center For Human Genetics Tuebingen Variant Classification Criteria Version 2. Collection method: clinical testing. Allele origin: germline. Affected: yes. Observed: 1 variant allele.
Comment: PELP1: BP4, BP7

Dr. Peter K. Rogan Lab, Western University
No classification provided (evidence only). Condition: Malignant tumor of urinary bladder. Review status: no classification provided. Collection method: in vitro. Allele origin: not applicable. Functional consequence: retained intron. Not counted in ClinVar's aggregate classification.

NM_014389.3(PELP1):c.2361C>T (p.Ser787=)

Gene: PELP1 (proline, glutamate and leucine rich protein 1; minus strand). Cytogenetic location: 17p13.2.
Variant type: single nucleotide variant.
Coding change: c.2361C>T on transcript NM_014389.3 (MANE Select); coding-DNA position 2361, C replaced by T.
Protein change: p.Ser787=; no amino-acid change (serine 787 retained).
Molecular consequence: synonymous variant.
Genome position (GRCh38, 1-based): chr17:4,672,630, G>A on the plus strand (C>T on the coding strand, the complement: PELP1 is on the minus strand). VCF-style: chr17-4672630-G-A. GRCh37 (hg19) VCF-style: chr17-4575925-G-A.
Other names: NC_000017.10:g.4575925G>A; c.1920C>T, p.Ser640= (NM_001278241.2).
Identifiers: ClinVar variation 2647269 (VCV002647269.25), dbSNP rs144331998, ClinGen allele CA8307670.
Genomic context (GRCh38, chr17:4,672,630, plus strand): 5'-TGTGGCACCTGAGGGTGGTGGGGGTGGCAGGGGGGGAAGCCCCTCGGGCACGATCACCAC[G>A]CTGTCATCAGAGTCACTTTCCAAGGAGATCTCCACATCAGATGCCTCCTCCTTGTCATAG-3'
Protein context (NP_055204.4, residues 777-797): EISLESDSDD[Ser787=]VVIVPEGLPP